The following is an entry in ClinVar:

NM_000051.4(ATM):c.1214del (p.Asn405fs)

Gene: ATM (ATM serine/threonine kinase; plus strand). Cytogenetic location: 11q22.3.
Variant type: Deletion.
Coding change: c.1214del on transcript NM_000051.4 (MANE Select); coding-DNA position 1214, one base deleted (A; older notation c.1214delA).
Protein change: p.Asn405fs; shifts the reading frame from asparagine 405.
Molecular consequence: frameshift variant.
Genome position (GRCh38, 1-based): chr11:108,249,081, A deleted; the last of 2 consecutive A bases (chr11:108,249,080-108,249,081); deleting either gives the same sequence. VCF-style (leftmost placement, unchanged base first): chr11-108249079-GA-G. GRCh37 (hg19) VCF-style: chr11-108119806-GA-G.
Other names: c.1214del, p.Asn405fs (NM_001351834.2); short protein forms N405fs.
Identifiers: ClinVar variation 943002 (VCV000943002.7), dbSNP rs2080001212, ClinGen allele CA1139662278.

ClinVar aggregate classification (germline): Pathogenic (1 of 4 stars; one submission).

Conditions:
Ataxia-telangiectasia syndrome (AT). Also called: Ataxia-telangiectasia, complementation group E; Ataxia telangiectasia (A-T); LOUIS-BAR SYNDROME; ATAXIA-TELANGIECTASIA, FRESNO VARIANT; AT, COMPLEMENTATION GROUP C; Ataxia-telangiectasia. Identifiers: Orphanet 100, MedGen C0004135, MONDO:0008840, OMIM 208900.

Submission:

Labcorp Genetics (formerly Invitae), Labcorp
Classification: Pathogenic for Ataxia-telangiectasia syndrome. Last evaluated: 2019-06-21. Review status: criteria provided, single submitter. Criteria: Invitae Variant Classification Sherloc (09022015). Collection method: clinical testing. Allele origin: germline.
Comment: This sequence change creates a premature translational stop signal (p.Asn405Metfs*15) in the ATM gene. It is expected to result in an absent or disrupted protein product. For these reasons, this variant has been classified as Pathogenic. Loss-of-function variants in ATM are known to be pathogenic (PMID: 23807571, 25614872). This variant has not been reported in the literature in individuals with ATM-related conditions. This variant is not present in population databases (ExAC no frequency).

Literature cited by the submitters: PubMed 23807571; PubMed 25614872.